The following is an entry in ClinVar:

NM_000531.6(OTC):c.259G>A (p.Glu87Lys)

Gene: OTC (ornithine transcarbamylase; plus strand). Cytogenetic location: Xp11.4.
Variant type: single nucleotide variant.
Coding change: c.259G>A on transcript NM_000531.6 (MANE Select); coding-DNA position 259, G replaced by A.
Protein change: p.Glu87Lys; replaces glutamic acid 87 with lysine.
Molecular consequence: missense variant.
Genome position (GRCh38, 1-based): chrX:38,369,838, G>A. VCF-style: chrX-38369838-G-A. GRCh37 (hg19) VCF-style: chrX-38229091-G-A.
Other names: short protein forms E87K.
Identifiers: ClinVar variation 11001 (VCV000011001.2), dbSNP rs72554338, ClinGen allele CA224520.
Genomic context (GRCh38, chrX:38,369,838, plus strand): 5'-CTTGTCCTTGATTTATAGTATTTGCCTTTATTGCAAGGGAAGTCCTTAGGCATGATTTTT[G>A]AGAAAAGAAGTACTCGAACAAGATTGTCTACAGAAACAGGTAAGTCCACTGCCAAATTCA-3'
Protein context (NP_000522.3, residues 77-97): LQGKSLGMIF[Glu87Lys]KRSTRTRLST

ClinVar aggregate classification (germline): Pathogenic. Review status: no assertion criteria provided (0 of 4 stars). 2 submissions from 2 submitters: Pathogenic (2). Last evaluated 1992-07-01.

Conditions:
Ornithine carbamoyltransferase deficiency (OTCD). Also called: ORNITHINE TRANSCARBAMYLASE DEFICIENCY, HYPERAMMONEMIA DUE TO; OTC DEFICIENCY; ORNITHINE TRANSCARBAMYLASE DEFICIENCY; Ornithine Carbamoyltransferase Deficiency Disease. Identifiers: Orphanet 664, MedGen C0268542, MONDO:0010703, OMIM 311250.

Submissions (2):

OMIM
Classification: Pathogenic for ORNITHINE TRANSCARBAMYLASE DEFICIENCY. Last evaluated: 1992-07-01. Review status: no assertion criteria provided. Collection method: literature only. Allele origin: germline.

GenMed Metabolism Lab
Classification: Pathogenic. Review status: no assertion criteria provided. Collection method: not provided. Allele origin: unknown.
Comment: p.Glu87Lys, Late
ClinVar note: Converted during submission from pathogenic to Pathogenic.

Literature cited by the submitters: PubMed 1353535 (cited by OMIM).